The following is an entry in ClinVar:

ClinVar aggregate classification (germline): Uncertain significance (1 of 4 stars; one submission).

Conditions:
Inborn genetic diseases. Identifiers: MedGen C0950123, MeSH D030342.

Submission:

Ambry Genetics
Classification: Uncertain significance for Inborn genetic diseases. Last evaluated: 2024-10-27. Review status: criteria provided, single submitter. Criteria: Ambry Variant Classification Scheme 2023. Collection method: clinical testing. Allele origin: germline.
Comment: The p.N319I variant (also known as c.956A>T), located in coding exon 4 of the PIK3CA gene, results from an A to T substitution at nucleotide position 956. The asparagine at codon 319 is replaced by isoleucine, an amino acid with dissimilar properties. This amino acid position is conserved. In addition, the in silico prediction for this alteration is inconclusive. Based on the available evidence, the clinical significance of this variant remains unclear.

NM_006218.4(PIK3CA):c.956A>T (p.Asn319Ile)

Gene: PIK3CA (phosphatidylinositol-4,5-bisphosphate 3-kinase catalytic subunit alpha; plus strand). Cytogenetic location: 3q26.32.
Variant type: single nucleotide variant.
Coding change: c.956A>T on transcript NM_006218.4 (MANE Select); coding-DNA position 956, A replaced by T.
Protein change: p.Asn319Ile; replaces asparagine 319 with isoleucine.
Molecular consequence: missense variant.
Genome position (GRCh38, 1-based): chr3:179,203,686, A>T. VCF-style: chr3-179203686-A-T. GRCh37 (hg19) VCF-style: chr3-178921474-A-T.
Other names: short protein forms N319I.
Identifiers: ClinVar variation 3418545 (VCV003418545.1).